The following is an entry in ClinVar:

NM_001127208.3(TET2):c.1681A>C (p.Lys561Gln)

Genes: TET2 (tet methylcytosine dioxygenase 2; plus strand), TET2-AS1 (TET2 antisense RNA 1; minus strand). Cytogenetic location: 4q24.
Variant type: single nucleotide variant.
Coding change: c.1681A>C on transcript NM_001127208.3 (MANE Select); coding-DNA position 1681, A replaced by C.
Protein change: p.Lys561Gln; replaces lysine 561 with glutamine.
Molecular consequence: missense variant.
Genome position (GRCh38, 1-based): chr4:105,235,623, A>C. VCF-style: chr4-105235623-A-C. GRCh37 (hg19) VCF-style: chr4-106156780-A-C.
Other names: c.1681A>C, p.Lys561Gln (NM_017628.4); short protein forms K561Q.
Identifiers: ClinVar variation 3967638 (VCV003967638.1).

ClinVar aggregate classification (germline): Uncertain significance (1 of 4 stars; one submission).

Submission:

Ambry Genetics
Classification: Uncertain significance. Last evaluated: 2025-05-16. Review status: criteria provided, single submitter. Criteria: Ambry Variant Classification Scheme 2023. Collection method: clinical testing. Allele origin: germline.
Comment: The p.K561Q variant (also known as c.1681A>C), located in coding exon 1 of the TET2 gene, results from an A to C substitution at nucleotide position 1681. The lysine at codon 561 is replaced by glutamine, an amino acid with similar properties. This amino acid position is conserved. In addition, this alteration is predicted to be tolerated by in silico analysis. Based on the available evidence, the clinical significance of this variant remains unclear.